The following is an entry in ClinVar:

ClinVar aggregate classification (germline): Uncertain significance (1 of 4 stars; one submission).

Conditions:
Dilated cardiomyopathy 1G (CMD1G). Identifiers: Orphanet 154, MedGen C1858763, MONDO:0011400, OMIM 604145.
Autosomal recessive limb-girdle muscular dystrophy type 2J (LGMDR10). Also called: MUSCULAR DYSTROPHY, LIMB-GIRDLE, AUTOSOMAL RECESSIVE 10; Limb-girdle muscular dystrophy, type 2J. Identifiers: Orphanet 140922, MedGen C1837342, MONDO:0012127, OMIM 608807.

Submission:

Labcorp Genetics (formerly Invitae), Labcorp
Classification: Uncertain significance for Dilated cardiomyopathy 1G; Autosomal recessive limb-girdle muscular dystrophy type 2J. Last evaluated: 2021-08-23. Review status: criteria provided, single submitter. Criteria: Invitae Variant Classification Sherloc (09022015). Collection method: clinical testing. Allele origin: germline.
Comment: Variants that disrupt the consensus splice site are a relatively common cause of aberrant splicing (PMID: 17576681, 9536098). Algorithms developed to predict the effect of sequence changes on RNA splicing suggest that this variant may disrupt the consensus splice site. This sequence change falls in intron 226 of the TTN gene. It does not directly change the encoded amino acid sequence of the TTN protein. It affects a nucleotide within the consensus splice site of the intron. This variant is not present in population databases (ExAC no frequency). This variant has not been reported in the literature in individuals affected with TTN-related conditions. Experimental studies and prediction algorithms are not available or were not evaluated, and the functional significance of this variant is currently unknown. In summary, the available evidence is currently insufficient to determine the role of this variant in disease. Therefore, it has been classified as a Variant of Uncertain Significance. This variant is located in the I band of TTN (PMID: 25589632). Variants in this region may be clinically relevant, but have not been definitively shown to cause cardiomyopathy or neuromuscular disease (PMID: 27493940, 32778822).

Literature cited by the submitters: PubMed 17576681; PubMed 9536098; PubMed 25589632; PubMed 27493940; PubMed 32778822.

NM_001267550.2(TTN):c.41608+4A>C

Gene: TTN (titin; minus strand). Cytogenetic location: 2q31.2.
Variant type: single nucleotide variant.
Coding change: c.41608+4A>C on transcript NM_001267550.2 (MANE Select); 4 bases into the intron after coding-DNA position 41608, A replaced by C.
Molecular consequence: intron variant.
Genome position (GRCh38, 1-based): chr2:178,635,959, T>G on the plus strand (A>C on the coding strand, the complement: TTN is on the minus strand). VCF-style: chr2-178635959-T-G. GRCh37 (hg19) VCF-style: chr2-179500686-T-G.
Other names: c.14413+4A>C (NM_003319.4); c.14989+4A>C (NM_133437.4); c.14788+4A>C (NM_133432.3); c.33904+4A>C (NM_133378.4); c.36685+4A>C (NM_001256850.1).
Identifiers: ClinVar variation 1375322 (VCV001375322.6), dbSNP rs2154230052, ClinGen allele CA2573133792.